The following is an entry in ClinVar:

ClinVar aggregate classification (germline): Likely pathogenic (1 of 4 stars; one submission).

Conditions:
Marfan syndrome (MFS). Also called: MARFAN SYNDROME, TYPE I; Marfan syndrome type 1; Marfan's syndrome; Marfan syndrome, classic; FBN1-Related Marfan Syndrome. Identifiers: Orphanet 284963, Orphanet 558, MedGen C0024796, MONDO:0007947, OMIM 154700.
Familial thoracic aortic aneurysm and aortic dissection (TAAD). Also called: Thoracic aortic aneurysms and dissections. Identifiers: Orphanet 91387, MedGen C4707243, MONDO:0019625.

Submission:

Labcorp Genetics (formerly Invitae), Labcorp
Classification: Likely pathogenic for Marfan syndrome; Familial thoracic aortic aneurysm and aortic dissection. Last evaluated: 2024-02-23. Review status: criteria provided, single submitter. Criteria: Invitae Variant Classification Sherloc (09022015). Collection method: clinical testing. Allele origin: germline.
Comment: This sequence change replaces tryptophan, which is neutral and slightly polar, with glycine, which is neutral and non-polar, at codon 71 of the FBN1 protein (p.Trp71Gly). This variant is not present in population databases (gnomAD no frequency). This variant has not been reported in the literature in individuals affected with FBN1-related conditions. ClinVar contains an entry for this variant (Variation ID: 1465025). Advanced modeling of protein sequence and biophysical properties (such as structural, functional, and spatial information, amino acid conservation, physicochemical variation, residue mobility, and thermodynamic stability) performed at Invitae indicates that this missense variant is expected to disrupt FBN1 protein function with a positive predictive value of 95%. This variant disrupts the p.Trp71 amino acid residue in FBN1. Other variant(s) that disrupt this residue have been determined to be pathogenic (PMID: 16835936; Invitae). This suggests that this residue is clinically significant, and that variants that disrupt this residue are likely to be disease-causing. In summary, the currently available evidence indicates that the variant is pathogenic, but additional data are needed to prove that conclusively. Therefore, this variant has been classified as Likely Pathogenic.

Literature cited by the submitters: PubMed 16835936.

NM_000138.5(FBN1):c.211T>G (p.Trp71Gly)

Gene: FBN1 (fibrillin 1; minus strand). Cytogenetic location: 15q21.1.
Variant type: single nucleotide variant.
Coding change: c.211T>G on transcript NM_000138.5 (MANE Select); coding-DNA position 211, T replaced by G.
Protein change: p.Trp71Gly; replaces tryptophan 71 with glycine.
Molecular consequence: missense variant.
Genome position (GRCh38, 1-based): chr15:48,613,046, A>C on the plus strand (T>G on the coding strand, the complement: FBN1 is on the minus strand). VCF-style: chr15-48613046-A-C. GRCh37 (hg19) VCF-style: chr15-48905243-A-C.
Other names: short protein forms W71G.
Identifiers: ClinVar variation 1465025 (VCV001465025.8), dbSNP rs1555405658, ClinGen allele CA392448386.